The following is an entry in ClinVar:

NM_001365902.3(NFIX):c.488T>G (p.Val163Gly)

Gene: NFIX (nuclear factor I X; plus strand). Cytogenetic location: 19p13.13.
Variant type: single nucleotide variant.
Coding change: c.488T>G on transcript NM_001365902.3 (MANE Select); coding-DNA position 488, T replaced by G.
Protein change: p.Val163Gly; replaces valine 163 with glycine.
Molecular consequence: missense variant.
Genome position (GRCh38, 1-based): chr19:13,025,481, T>G. VCF-style: chr19-13025481-T-G. GRCh37 (hg19) VCF-style: chr19-13136295-T-G.
Other names: c.464T>G, p.Val155Gly (NM_001271044.3, NM_001378404.1); c.488T>G, p.Val163Gly (NM_001365982.2, NM_002501.4); c.347T>G, p.Val116Gly (NM_001365983.2); c.485T>G, p.Val162Gly (NM_001365984.2, NM_001365985.2); c.536T>G, p.Val179Gly (NM_001378405.1); c.512T>G, p.Val171Gly (NM_001271043.2); short protein forms V163G, V171G, V116G, V162G, V155G, V179G.
Identifiers: ClinVar variation 372704 (VCV000372704.1), dbSNP rs1057517936, ClinGen allele CA16043076.

ClinVar aggregate classification (germline): Likely pathogenic (1 of 4 stars; one submission).

Submission:

GeneDx
Classification: Likely pathogenic. Last evaluated: 2015-11-03. Review status: criteria provided, single submitter. Criteria: GeneDx Variant Classification (06012015). Collection method: clinical testing. Allele origin: germline. Affected: yes.
Comment: The V171G variant in the NFIX gene has not been reported previously as a pathogenic variant, nor as a benign variant, to our knowledge. The V171G variant was not observed in approximately 6400 individuals of European and African American ancestry in the NHLBI Exome Sequencing Project, indicating it is not a common benign variant in these populations. The V171G variant is a conservative amino acid substitution, which is not likely to impact secondary protein structure as these residues share similar properties. This substitution occurs at a position that is conserved across species. In silico analysis predicts this variant is probably damaging to the protein structure/function. The V171G variant is a strong candidate for a pathogenic variant; however the possibility it may be a rare benign variant cannot be excluded.